The following is an entry in ClinVar:

NM_000268.4(NF2):c.1627A>T (p.Lys543Ter)

Gene: NF2 (NF2, moesin-ezrin-radixin like (MERLIN) tumor suppressor; plus strand). Cytogenetic location: 22q12.2.
Variant type: single nucleotide variant.
Coding change: c.1627A>T on transcript NM_000268.4 (MANE Select); coding-DNA position 1627, A replaced by T.
Protein change: p.Lys543Ter; replaces lysine 543 with a stop codon.
Molecular consequence: nonsense. On other transcripts: non-coding transcript variant (1), intron variant (1).
Genome position (GRCh38, 1-based): chr22:29,681,491, A>T. VCF-style: chr22-29681491-A-T. GRCh37 (hg19) VCF-style: chr22-30077480-A-T.
Other names: c.1627A>T, p.Lys543Ter (NM_016418.5, NM_181825.3, NM_181832.3); c.1501A>T, p.Lys501Ter (NM_181828.3); c.1504A>T, p.Lys502Ter (NM_181829.3); c.1378A>T, p.Lys460Ter (NM_181830.3, NM_181831.3); c.448-13261A>T (NM_181833.3); short protein forms K543*, K501*, K460*, K502*.
Identifiers: ClinVar variation 237621 (VCV000237621.9), dbSNP rs878853925, ClinGen allele CA10583924.
Genomic context (GRCh38, chr22:29,681,491, plus strand): 5'-GCCGGCAGAGTGGAATACATGGAAAAGAGCAAGCATCTGCAGGAGCAGCTCAATGAACTC[A>T]AGACAGAAATCGAGGCCTTGAAACTGAAAGAGAGGGAGACAGCTCTGGATATTCTGCACA-3'

ClinVar aggregate classification (germline): Pathogenic. Review status: criteria provided, multiple submitters, no conflicts (2 of 4 stars). 2 submissions from 2 submitters: Pathogenic (2). Last evaluated 2021-01-27.

Conditions:
Hereditary cancer-predisposing syndrome. Also called: Tumor predisposition; Hereditary neoplastic syndrome; Neoplastic Syndromes, Hereditary; Hereditary Cancer Syndrome. Identifiers: Orphanet 140162, MedGen C0027672, MeSH D009386, MONDO:0015356.
Neurofibromatosis, type 2 (SWNV). Also called: BILATERAL ACOUSTIC NEUROFIBROMATOSIS; NF2-Related Schwannomatosis; SCHWANNOMATOSIS, VESTIBULAR. Identifiers: Orphanet 637, MedGen C0027832, MONDO:0007039, OMIM 101000. Disease mechanism: loss of function.

Submissions (2):

Labcorp Genetics (formerly Invitae), Labcorp
Classification: Pathogenic for Neurofibromatosis, type 2. Last evaluated: 2021-01-27. Review status: criteria provided, single submitter. Criteria: Invitae Variant Classification Sherloc (09022015). Collection method: clinical testing. Allele origin: germline.
Comment: This variant has not been reported in the literature in individuals with NF2-related disease. For these reasons, this variant has been classified as Pathogenic. Loss-of-function variants in NF2 are known to be pathogenic (PMID: 9643284, 16983642). This variant is not present in population databases (ExAC no frequency). This sequence change creates a premature translational stop signal (p.Lys543*) in the NF2 gene. It is expected to result in an absent or disrupted protein product.

Ambry Genetics
Classification: Pathogenic for Hereditary cancer-predisposing syndrome. Last evaluated: 2020-12-02. Review status: criteria provided, single submitter. Criteria: Ambry Variant Classification Scheme 2023. Collection method: clinical testing. Allele origin: germline.
Comment: The p.K543* pathogenic mutation (also known as c.1627A>T), located in coding exon 15 of the NF2 gene, results from an A to T substitution at nucleotide position 1627. This changes the amino acid from a lysine to a stop codon within coding exon 15. This alteration is expected to result in loss of function by premature protein truncation or nonsense-mediated mRNA decay. As such, this alteration is interpreted as a disease-causing mutation.

Literature cited by the submitters: PubMed 9643284 (cited by Labcorp Genetics (formerly Invitae), Labcorp); PubMed 16983642 (cited by Labcorp Genetics (formerly Invitae), Labcorp).